The following is an entry in ClinVar:

NM_022489.4(INF2):c.2789G>T (p.Arg930Leu)

Gene: INF2 (inverted formin 2; plus strand). Cytogenetic location: 14q32.33.
Variant type: single nucleotide variant.
Coding change: c.2789G>T on transcript NM_022489.4 (MANE Select); coding-DNA position 2789, G replaced by T.
Protein change: p.Arg930Leu; replaces arginine 930 with leucine.
Molecular consequence: missense variant.
Genome position (GRCh38, 1-based): chr14:104,713,220, G>T. VCF-style: chr14-104713220-G-T. GRCh37 (hg19) VCF-style: chr14-105179557-G-T.
Other names: c.2789G>T, p.Arg930Leu (NM_001031714.4, NM_001426862.1, NM_001426863.1 and 2 more transcripts); short protein forms R930L.
Identifiers: ClinVar variation 2930745 (VCV002930745.3), dbSNP rs752180110, ClinGen allele CA391222641.
Genomic context (GRCh38, chr14:104,713,220, plus strand): 5'-CTGAGGGATGCCACGCTGGGGTGACGGGGCCACATCTGCCAGTGCAGGAGAACAAGGACC[G>T]GAAGGAGCAGGCGGCGAAGGCAGAGAGGAGGAAGCAGCAGCTGGCGGAGGAGGAGGCGCG-3'
Protein context (NP_071934.3, residues 920-940): FLRALKENKD[Arg930Leu]KEQAAKAERR

ClinVar aggregate classification (germline): Uncertain significance (1 of 4 stars; one submission).

Conditions:
Focal segmental glomerulosclerosis 5 (FSGS5). Identifiers: Orphanet 656, MedGen C2750475, MONDO:0013191, OMIM 613237.
Charcot-Marie-Tooth disease dominant intermediate E. Also called: CHARCOT-MARIE-TOOTH NEUROPATHY WITH FOCAL SEGMENTAL GLOMERULONEPHRITIS. Identifiers: Orphanet 93114, MedGen C4302667, MONDO:0013758, OMIM 614455.

gnomAD v4.1: 2 of 1,555,494 alleles (0.00013%); highest among the groups gnomAD compares: East Asian, 0.0024%; no homozygotes.

Submission:

Labcorp Genetics (formerly Invitae), Labcorp
Classification: Uncertain significance for Charcot-Marie-Tooth disease dominant intermediate E; Focal segmental glomerulosclerosis 5. Last evaluated: 2022-11-09. Review status: criteria provided, single submitter. Criteria: Invitae Variant Classification Sherloc (09022015). Collection method: clinical testing. Allele origin: germline.
Comment: This variant has not been reported in the literature in individuals affected with INF2-related conditions. This sequence change replaces arginine, which is basic and polar, with leucine, which is neutral and non-polar, at codon 930 of the INF2 protein (p.Arg930Leu). This variant is not present in population databases (gnomAD no frequency). Advanced modeling of protein sequence and biophysical properties (such as structural, functional, and spatial information, amino acid conservation, physicochemical variation, residue mobility, and thermodynamic stability) performed at Invitae indicates that this missense variant is not expected to disrupt INF2 protein function. In summary, the available evidence is currently insufficient to determine the role of this variant in disease. Therefore, it has been classified as a Variant of Uncertain Significance.